The following is an entry in ClinVar:

NM_001297.5(CNGB1):c.709C>A (p.Pro237Thr)

Gene: CNGB1 (cyclic nucleotide gated channel subunit beta 1; minus strand). Cytogenetic location: 16q21.
Variant type: single nucleotide variant.
Coding change: c.709C>A on transcript NM_001297.5 (MANE Select); coding-DNA position 709, C replaced by A.
Protein change: p.Pro237Thr; replaces proline 237 with threonine.
Molecular consequence: missense variant.
Genome position (GRCh38, 1-based): chr16:57,959,940, G>T on the plus strand (C>A on the coding strand, the complement: CNGB1 is on the minus strand). VCF-style: chr16-57959940-G-T. GRCh37 (hg19) VCF-style: chr16-57993844-G-T.
Other names: c.709C>A, p.Pro237Thr (NM_001135639.2); c.691C>A, p.Pro231Thr (NM_001286130.2); c.709C>A (NM_001297.4); short protein forms P231T, P237T.
Identifiers: ClinVar variation 1482586 (VCV001482586.7), dbSNP rs752714921, ClinGen allele CA8083716.

ClinVar aggregate classification (germline): Uncertain significance. Review status: criteria provided, multiple submitters, no conflicts (2 of 4 stars). 2 submissions from 2 submitters: Uncertain significance (2). Last evaluated 2025-08-21.

Conditions:
Inborn genetic diseases. Identifiers: MedGen C0950123, MeSH D030342.

Allele frequency attached by ClinVar (database versions not stated): gnomAD 0.00001; gnomAD exomes 0.00001 and 0.00004; TOPMed 0.00001; ExAC 0.00003.

Submissions (2):

Ambry Genetics
Classification: Uncertain significance for Inborn genetic diseases. Last evaluated: 2025-08-21. Review status: criteria provided, single submitter. Criteria: Ambry Variant Classification Scheme 2023. Collection method: clinical testing. Allele origin: germline.

Labcorp Genetics (formerly Invitae), Labcorp
Classification: Uncertain significance. Last evaluated: 2022-07-21. Review status: criteria provided, single submitter. Criteria: Invitae Variant Classification Sherloc (09022015). Collection method: clinical testing. Allele origin: germline.
Comment: ClinVar contains an entry for this variant (Variation ID: 1482586). This variant has not been reported in the literature in individuals affected with CNGB1-related conditions. This variant is present in population databases (rs752714921, gnomAD 0.03%). This sequence change replaces proline, which is neutral and non-polar, with threonine, which is neutral and polar, at codon 237 of the CNGB1 protein (p.Pro237Thr). Advanced modeling of protein sequence and biophysical properties (such as structural, functional, and spatial information, amino acid conservation, physicochemical variation, residue mobility, and thermodynamic stability) performed at Invitae indicates that this missense variant is not expected to disrupt CNGB1 protein function. In summary, the available evidence is currently insufficient to determine the role of this variant in disease. Therefore, it has been classified as a Variant of Uncertain Significance.